The following is an entry in ClinVar:

ClinVar aggregate classification (germline): Uncertain significance. Review status: criteria provided, multiple submitters, no conflicts (2 of 4 stars). 2 submissions from 2 submitters: Uncertain significance (2). Last evaluated 2025-07-14.

Conditions:
Mitochondrial complex II deficiency, nuclear type 1. Also called: SUCCINATE CoQ REDUCTASE DEFICIENCY. Identifiers: Orphanet 3208, MedGen C5700310, MONDO:0100294, OMIM 252011.
Pheochromocytoma/paraganglioma syndrome 5. Also called: Paragangliomas 5; SDHA-Related Hereditary Paraganglioma-Pheochromocytoma Syndrome. Identifiers: Orphanet 29072, MedGen C3279992, MONDO:0013602, OMIM 614165.
Hereditary cancer-predisposing syndrome. Also called: Hereditary Cancer Syndrome; Hereditary neoplastic syndrome; Neoplastic Syndromes, Hereditary; Tumor predisposition. Identifiers: Orphanet 140162, MedGen C0027672, MeSH D009386, MONDO:0015356.

gnomAD v4.1: 1 of 1,613,858 alleles (0.000062%); no homozygotes.

Submissions (2):

Labcorp Genetics (formerly Invitae), Labcorp
Classification: Uncertain significance for Pheochromocytoma/paraganglioma syndrome 5; Mitochondrial complex II deficiency, nuclear type 1. Last evaluated: 2025-07-14. Review status: criteria provided, single submitter. Criteria: Invitae Variant Classification Sherloc (09022015). Collection method: clinical testing. Allele origin: germline.
Comment: This sequence change replaces glutamic acid, which is acidic and polar, with alanine, which is neutral and non-polar, at codon 291 of the SDHA protein (p.Glu291Ala). This variant is not present in population databases (gnomAD no frequency). This missense change has been observed in individual(s) with succinate dehydrogenase deficiency (PMID: 37064335). ClinVar contains an entry for this variant (Variation ID: 1764462). Invitae Evidence Modeling of protein sequence and biophysical properties (such as structural, functional, and spatial information, amino acid conservation, physicochemical variation, residue mobility, and thermodynamic stability) has been performed for this missense variant. However, the output from this modeling did not meet the statistical confidence thresholds required to predict the impact of this variant on SDHA protein function. In summary, the available evidence is currently insufficient to determine the role of this variant in disease. Therefore, it has been classified as a Variant of Uncertain Significance.

Ambry Genetics
Classification: Uncertain significance for Hereditary cancer-predisposing syndrome. Last evaluated: 2023-11-15. Review status: criteria provided, single submitter. Criteria: Ambry Variant Classification Scheme 2023. Collection method: clinical testing. Allele origin: germline.
Comment: The p.E291A variant (also known as c.872A>C), located in coding exon 7 of the SDHA gene, results from an A to C substitution at nucleotide position 872. The glutamic acid at codon 291 is replaced by alanine, an amino acid with dissimilar properties. This amino acid position is highly conserved in available vertebrate species. In addition, this alteration is predicted to be deleterious by in silico analysis. Since supporting evidence is limited at this time, the clinical significance of this alteration remains unclear.

Literature cited by the submitters: PubMed 37064335 (cited by Labcorp Genetics (formerly Invitae), Labcorp).

NM_004168.4(SDHA):c.872A>C (p.Glu291Ala)

Gene: SDHA (succinate dehydrogenase complex flavoprotein subunit A; plus strand). Cytogenetic location: 5p15.33.
Variant type: single nucleotide variant.
Coding change: c.872A>C on transcript NM_004168.4 (MANE Select); coding-DNA position 872, A replaced by C.
Protein change: p.Glu291Ala; replaces glutamic acid 291 with alanine.
Molecular consequence: missense variant.
Genome position (GRCh38, 1-based): chr5:230,977, A>C. VCF-style: chr5-230977-A-C. GRCh37 (hg19) VCF-style: chr5-231092-A-C.
Other names: c.728A>C, p.Glu243Ala (NM_001294332.2); c.872A>C, p.Glu291Ala (NM_001330758.2); short protein forms E243A, E291A.
Identifiers: ClinVar variation 1764462 (VCV001764462.6), dbSNP rs1336029027, ClinGen allele CA359011981.
Genomic context (GRCh38, chr5:230,977, plus strand): 5'-CCAGCACTGGCGACGGCACGGCCATGATCACCAGGGCAGGCCTTCCTTGCCAGGACCTAG[A>C]GTTTGTTCAGTTCCACCCTACAGGTAGGGCAGGACGCCTTGCCCGGCAGGTGTTTGGCTT-3'
Protein context (NP_004159.2, residues 281-301): TRAGLPCQDL[Glu291Ala]FVQFHPTGIY